The following is an entry in ClinVar:

ClinVar aggregate classification (germline): Uncertain significance (1 of 4 stars; one submission).

Conditions:
Blau syndrome (BLAUS). Also called: JABS SYNDROME; GRANULOMATOSIS, FAMILIAL JUVENILE SYSTEMIC; GRANULOMATOSIS, FAMILIAL, BLAU TYPE; GRANULOMATOUS INFLAMMATORY ARTHRITIS, DERMATITIS, AND UVEITIS, FAMILIAL; ARTHROCUTANEOUVEAL GRANULOMATOSIS. Identifiers: Orphanet 90340, MedGen C5201146, MONDO:0008523, OMIM 186580.
Regional enteritis. Also called: Enteritis, Granulomatous. Identifiers: MedGen C0678202, MeSH D003424.

Submission:

Labcorp Genetics (formerly Invitae), Labcorp
Classification: Uncertain significance for Regional enteritis; Blau syndrome. Last evaluated: 2021-07-21. Review status: criteria provided, single submitter. Criteria: Invitae Variant Classification Sherloc (09022015). Collection method: clinical testing. Allele origin: germline.
Comment: This sequence change replaces isoleucine with threonine at codon 832 of the NOD2 protein (p.Ile832Thr). The isoleucine residue is moderately conserved and there is a moderate physicochemical difference between isoleucine and threonine. This variant is not present in population databases (ExAC no frequency). This variant has not been reported in the literature in individuals affected with NOD2-related conditions. Advanced modeling of protein sequence and biophysical properties (such as structural, functional, and spatial information, amino acid conservation, physicochemical variation, residue mobility, and thermodynamic stability) performed at Invitae indicates that this missense variant is not expected to disrupt NOD2 protein function. In summary, the available evidence is currently insufficient to determine the role of this variant in disease. Therefore, it has been classified as a Variant of Uncertain Significance.

NM_001370466.1(NOD2):c.2414T>C (p.Ile805Thr)

Gene: NOD2 (nucleotide binding oligomerization domain containing 2; plus strand). Cytogenetic location: 16q12.1.
Variant type: single nucleotide variant.
Coding change: c.2414T>C on transcript NM_001370466.1 (MANE Select); coding-DNA position 2414, T replaced by C.
Protein change: p.Ile805Thr; replaces isoleucine 805 with threonine.
Molecular consequence: missense variant. On other transcripts: non-coding transcript variant (1).
Genome position (GRCh38, 1-based): chr16:50,716,619, T>C. VCF-style: chr16-50716619-T-C. GRCh37 (hg19) VCF-style: chr16-50750530-T-C.
Other names: c.2414T>C, p.Ile805Thr (NM_001293557.2); c.2495T>C, p.Ile832Thr (NM_022162.3); short protein forms I805T, I832T.
Identifiers: ClinVar variation 1402252 (VCV001402252.8), dbSNP rs2150823869, ClinGen allele CA395873475.